The following is an entry in ClinVar:

ClinVar aggregate classification (germline): Conflicting classifications of pathogenicity. Review status: criteria provided, conflicting classifications (1 of 4 stars). 7 submissions from 5 submitters: Uncertain significance (5); Likely benign (2). Last evaluated 2026-03-11.

Conditions:
Arrhythmogenic right ventricular dysplasia 8 (ARVD8). Also called: ARRHYTHMOGENIC RIGHT VENTRICULAR CARDIOMYOPATHY 8; ARRHYTHMOGENIC RIGHT VENTRICULAR DYSPLASIA, FAMILIAL, 8; Arrhythmogenic Right Ventricular Dysplasia/Cardiomyopathy 8. Identifiers: MedGen C1843896, MONDO:0011831, OMIM 607450.
Arrhythmogenic cardiomyopathy with wooly hair and keratoderma. Also called: Carvajal syndrome; PALMOPLANTAR KERATODERMA WITH LEFT VENTRICULAR CARDIOMYOPATHY AND WOOLLY HAIR; Arrhythmogenic cardiomyopathy with woolly hair and keratoderma; Dilated cardiomyopathy with woolly hair and keratoderma. Identifiers: Orphanet 65282, MedGen C1854063, MONDO:0011581, OMIM 605676.
Woolly hair-skin fragility syndrome (WHSF). Identifiers: Orphanet 293165, MedGen C1843292, MONDO:0957307, OMIM 620415.
Cardiovascular phenotype. Identifiers: MedGen CN230736.
Lethal acantholytic epidermolysis bullosa (EBLA). Identifiers: Orphanet 158687, MedGen C1864826, MONDO:0012323, OMIM 609638.

Allele frequency attached by ClinVar (database versions not stated): ExAC 0.00005; gnomAD exomes 0.00005.
gnomAD v4.1: 32 of 1,609,648 alleles (0.002%); highest among the groups gnomAD compares: South Asian, 0.035%; 1 homozygote.

Submissions (7):

GeneDx
Classification: Uncertain significance. Last evaluated: 2026-03-11. Review status: criteria provided, single submitter. Criteria: GeneDx Variant Classification Process June 2021. Collection method: clinical testing. Allele origin: germline.
Comment: In silico analysis supports that this missense variant has a deleterious effect on protein structure/function; Has not been previously published as pathogenic or benign to our knowledge

Revvity Omics, Revvity
Classification: Uncertain significance. Last evaluated: 2024-11-07. Review status: criteria provided, single submitter. Criteria: ACMG Guidelines, 2015. Collection method: clinical testing. Allele origin: germline.

Ambry Genetics
Classification: Likely benign for Cardiovascular phenotype. Last evaluated: 2024-08-07. Review status: criteria provided, single submitter. Criteria: Ambry Variant Classification Scheme 2023. Collection method: clinical testing. Allele origin: germline.

Labcorp Genetics (formerly Invitae), Labcorp
Classification: Likely benign for Arrhythmogenic cardiomyopathy with wooly hair and keratoderma; Arrhythmogenic right ventricular dysplasia 8. Last evaluated: 2024-07-23. Review status: criteria provided, single submitter. Criteria: Invitae Variant Classification Sherloc (09022015). Collection method: clinical testing. Allele origin: germline.

Illumina Laboratory Services, Illumina
Classification: Uncertain significance for Arrhythmogenic right ventricular dysplasia 8. Last evaluated: 2018-01-13. Review status: criteria provided, single submitter. Criteria: ICSL Variant Classification Criteria 13 December 2019. Collection method: clinical testing. Allele origin: germline.

Illumina Laboratory Services, Illumina
Classification: Uncertain significance for Lethal acantholytic epidermolysis bullosa. Last evaluated: 2018-01-13. Review status: criteria provided, single submitter. Criteria: ICSL Variant Classification Criteria 13 December 2019. Collection method: clinical testing. Allele origin: germline.

Illumina Laboratory Services, Illumina
Classification: Uncertain significance for Arrhythmogenic cardiomyopathy with wooly hair and keratoderma. Last evaluated: 2018-01-13. Review status: criteria provided, single submitter. Criteria: ICSL Variant Classification Criteria 13 December 2019. Collection method: clinical testing. Allele origin: germline.

NM_004415.4(DSP):c.8507G>A (p.Gly2836Glu)

Gene: DSP (desmoplakin; plus strand). Cytogenetic location: 6p24.3.
Variant type: single nucleotide variant.
Coding change: c.8507G>A on transcript NM_004415.4 (MANE Select); coding-DNA position 8507, G replaced by A.
Protein change: p.Gly2836Glu; replaces glycine 2836 with glutamic acid.
Molecular consequence: missense variant.
Genome position (GRCh38, 1-based): chr6:7,585,769, G>A. VCF-style: chr6-7585769-G-A. GRCh37 (hg19) VCF-style: chr6-7586002-G-A.
Other names: c.8507G>A (LRG_423t1); c.6710G>A, p.Gly2237Glu (NM_001008844.3); c.7178G>A, p.Gly2393Glu (NM_001319034.2); short protein forms G2836E, G2237E, G2393E.
Identifiers: ClinVar variation 357967 (VCV000357967.12), dbSNP rs764232504, ClinGen allele CA052621.